The following is an entry in ClinVar:

NM_000246.4(CIITA):c.1190T>C (p.Leu397Pro)

Gene: CIITA (class II major histocompatibility complex transactivator; plus strand). Cytogenetic location: 16p13.13.
Variant type: single nucleotide variant.
Coding change: c.1190T>C on transcript NM_000246.4 (MANE Select); coding-DNA position 1190, T replaced by C.
Protein change: p.Leu397Pro; replaces leucine 397 with proline.
Molecular consequence: missense variant. On other transcripts: intron variant (1).
Genome position (GRCh38, 1-based): chr16:10,906,682, T>C. VCF-style: chr16-10906682-T-C. GRCh37 (hg19) VCF-style: chr16-11000539-T-C.
Other names: c.1193T>C, p.Leu398Pro (NM_001286402.1, NM_001379332.1); c.1046T>C, p.Leu349Pro (NM_001379330.1); c.1043T>C, p.Leu348Pro (NM_001379331.1); c.1190T>C, p.Leu397Pro (NM_001379333.1); c.1121T>C, p.Leu374Pro (NM_001379334.1); c.859+1870T>C (NM_001286403.2); short protein forms L348P, L397P, L349P, L374P, L398P.
Identifiers: ClinVar variation 2181070 (VCV002181070.1), dbSNP rs766572360, ClinGen allele CA7900079.

ClinVar aggregate classification (germline): Uncertain significance (1 of 4 stars; one submission).

Conditions:
MHC class II deficiency. Also called: Bare lymphocyte syndrome 2; BLS, TYPE II. Identifiers: Orphanet 572, MedGen C5447452, MONDO:0008855.

Allele frequency attached by ClinVar (database versions not stated): ExAC 0.00001.
gnomAD v4.1: 28 of 1,613,054 alleles (0.0017%); highest among the groups gnomAD compares: Non-Finnish European, 0.0023%; no homozygotes.

Submission:

Labcorp Genetics (formerly Invitae), Labcorp
Classification: Uncertain significance for MHC class II deficiency. Last evaluated: 2022-05-17. Review status: criteria provided, single submitter. Criteria: Invitae Variant Classification Sherloc (09022015). Collection method: clinical testing. Allele origin: germline.
Comment: This sequence change replaces leucine, which is neutral and non-polar, with proline, which is neutral and non-polar, at codon 397 of the CIITA protein (p.Leu397Pro). This variant is present in population databases (rs766572360, gnomAD 0.004%). This variant has not been reported in the literature in individuals affected with CIITA-related conditions. Algorithms developed to predict the effect of missense changes on protein structure and function (SIFT, PolyPhen-2, Align-GVGD) all suggest that this variant is likely to be tolerated. In summary, the available evidence is currently insufficient to determine the role of this variant in disease. Therefore, it has been classified as a Variant of Uncertain Significance.